The following is an entry in ClinVar:

NM_198578.4(LRRK2):c.269_280del (p.Glu90_Pro93del)

Gene: LRRK2 (leucine rich repeat kinase 2; plus strand). Cytogenetic location: 12q12.
Variant type: Deletion.
Coding change: c.269_280del on transcript NM_198578.4 (MANE Select); coding-DNA positions 269 to 280, 12 bases deleted (AAGTCTGTCCAG).
Protein change: p.Glu90_Pro93del.
Molecular consequence: inframe deletion.
Genome position (GRCh38, 1-based): chr12:40,232,305-40,232,316, AAGTCTGTCCAG deleted; deleting any 12 consecutive bases within chr12:40,232,303-40,232,316 gives the same sequence; the c. name uses the placement nearest the transcript's 3' end. VCF-style (leftmost placement, unchanged base first): chr12-40232302-TAGAAGTCTGTCC-T. GRCh37 (hg19) VCF-style: chr12-40626104-TAGAAGTCTGTCC-T.
Identifiers: ClinVar variation 1351737 (VCV001351737.6), dbSNP rs2136395885, ClinGen allele CA2573148531.

ClinVar aggregate classification (germline): Uncertain significance (1 of 4 stars; one submission).

Conditions:
Autosomal dominant Parkinson disease 8. Also called: Parkinson disease 8, susceptibility to; LRRK2-Related Parkinson Disease; Parkinson disease 8. Identifiers: Orphanet 411602, MedGen C1846862, MONDO:0011764, OMIM 607060.

Submission:

Labcorp Genetics (formerly Invitae), Labcorp
Classification: Uncertain significance for Autosomal dominant Parkinson disease 8. Last evaluated: 2022-02-19. Review status: criteria provided, single submitter. Criteria: Invitae Variant Classification Sherloc (09022015). Collection method: clinical testing. Allele origin: germline.
Comment: In summary, the available evidence is currently insufficient to determine the role of this variant in disease. Therefore, it has been classified as a Variant of Uncertain Significance. Algorithms developed to predict the effect of sequence changes on RNA splicing suggest that this variant may create or strengthen a splice site. Experimental studies and prediction algorithms are not available or were not evaluated, and the functional significance of this variant is currently unknown. This variant has not been reported in the literature in individuals affected with LRRK2-related conditions. This variant is not present in population databases (gnomAD no frequency). This variant, c.269_280del, results in the deletion of 4 amino acid(s) of the LRRK2 protein (p.Glu90_Pro93del), but otherwise preserves the integrity of the reading frame.